The following is an entry in ClinVar:

ClinVar aggregate classification (germline): Benign/Likely benign. Review status: criteria provided, multiple submitters, no conflicts (2 of 4 stars). 5 submissions from 5 submitters: Benign (2); Likely benign (2). 1 of the submissions does not count toward it. Last evaluated 2026-07-01.

Conditions:
Inborn genetic diseases. Identifiers: MedGen C0950123, MeSH D030342.
Kleefstra syndrome 1 (KLEFS1). Identifiers: Orphanet 261494, MedGen C0795833, MONDO:0027407, OMIM 610253.
EHMT1-related disorder. Also called: EHMT1-related condition.

Allele frequency attached by ClinVar (database versions not stated): TOPMed 0.00002; gnomAD 0.00006 and 0.00013; gnomAD exomes 0.00021; ExAC 0.00022; 1000 Genomes Project 30x 0.00047; 1000 Genomes Project 0.00060.
gnomAD v4.1: 227 of 1,613,950 alleles (0.014%); highest among the groups gnomAD compares: South Asian, 0.12%; no homozygotes.

Submissions (5):

CeGaT Center for Human Genetics Tuebingen
Classification: Likely benign. Last evaluated: 2026-07-01. Review status: criteria provided, single submitter. Criteria: CeGaT Center For Human Genetics Tuebingen Variant Classification Criteria Version 2. Collection method: clinical testing. Allele origin: germline. Affected: yes. Observed: 1 variant allele.
Comment: EHMT1: BP4, BP7, BS1

Labcorp Genetics (formerly Invitae), Labcorp
Classification: Benign for Kleefstra syndrome 1. Last evaluated: 2025-12-11. Review status: criteria provided, single submitter. Criteria: Invitae Variant Classification Sherloc (09022015). Collection method: clinical testing. Allele origin: germline.

GeneDx
Classification: Benign. Last evaluated: 2019-04-29. Review status: criteria provided, single submitter. Criteria: GeneDx Variant Classification Process June 2021. Collection method: clinical testing. Allele origin: germline. Affected: yes.

Ambry Genetics
Classification: Likely benign for Inborn genetic diseases. Last evaluated: 2018-01-19. Review status: criteria provided, single submitter. Criteria: Ambry Variant Classification Scheme 2023. Collection method: clinical testing. Allele origin: germline.

PreventionGenetics, part of Exact Sciences
Classification: Likely benign for EHMT1-related condition. Last evaluated: 2024-04-08. Review status: no assertion criteria provided. Collection method: clinical testing. Allele origin: germline. Not counted in ClinVar's aggregate classification.
Comment: This variant is classified as likely benign based on ACMG/AMP sequence variant interpretation guidelines (Richards et al. 2015 PMID: 25741868, with internal and published modifications).

NM_024757.5(EHMT1):c.1359C>T (p.Ser453=)

Gene: EHMT1 (euchromatic histone lysine methyltransferase 1; plus strand). Cytogenetic location: 9q34.3.
Variant type: single nucleotide variant.
Coding change: c.1359C>T on transcript NM_024757.5 (MANE Select); coding-DNA position 1359, C replaced by T.
Protein change: p.Ser453=; no amino-acid change (serine 453 retained).
Molecular consequence: synonymous variant.
Genome position (GRCh38, 1-based): chr9:137,754,281, C>T. VCF-style: chr9-137754281-C-T. GRCh37 (hg19) VCF-style: chr9-140648733-C-T.
Other names: c.1359C>T, p.Ser453= (NM_001145527.2, NM_001354611.2); c.1266C>T, p.Ser422= (NM_001354259.2, NM_001354612.2); c.1338C>T, p.Ser446= (NM_001354263.2).
Identifiers: ClinVar variation 708189 (VCV000708189.17), dbSNP rs545055517, ClinGen allele CA5374580.